The following is an entry in ClinVar:

NM_006493.4(CLN5):c.*1132A>G

Gene: CLN5 (CLN5 lysosomal BMP synthase; plus strand). Cytogenetic location: 13q22.3.
Variant type: single nucleotide variant.
Coding change: c.*1132A>G on transcript NM_006493.4 (MANE Select); 1132 bases downstream of the stop codon, A replaced by G.
Molecular consequence: 3 prime UTR variant.
Genome position (GRCh38, 1-based): chr13:77,002,101, A>G. VCF-style: chr13-77002101-A-G. GRCh37 (hg19) VCF-style: chr13-77576236-A-G.
Other names: c.*1132A>G (LRG_692t1); c.*1658A>G (NM_001366624.2).
Identifiers: ClinVar variation 312439 (VCV000312439.6), dbSNP rs80200123, ClinGen allele CA10639718.

ClinVar aggregate classification (germline): Benign (1 of 4 stars; one submission).

Conditions:
Neuronal ceroid lipofuscinosis 5 (CLN5). Also called: CEROID LIPOFUSCINOSIS, NEURONAL, 5, VARIABLE AGE AT ONSET; Neuronal ceroid lipofuscinosis Finnish variant; NEURONAL CEROID LIPOFUSCINOSIS, LATE INFANTILE, FINNISH VARIANT; CLN5-Related Neuronal Ceroid-Lipofuscinosis. Identifiers: Orphanet 168491, Orphanet 228360, MedGen C1850442, MONDO:0009745, OMIM 256731.

Allele frequency attached by ClinVar (database versions not stated): gnomAD 0.01375 and 0.01487; TOPMed 0.01758; 1000 Genomes Project 30x 0.02655; 1000 Genomes Project 0.02776.

Submission:

Illumina Laboratory Services, Illumina
Classification: Benign for Neuronal ceroid lipofuscinosis 5. Last evaluated: 2018-01-13. Review status: criteria provided, single submitter. Criteria: ICSL Variant Classification Criteria 13 December 2019. Collection method: clinical testing. Allele origin: germline.
Comment: This variant was observed in the ICSL laboratory as part of a predisposition screen in an ostensibly healthy population. It had not been previously curated by ICSL or reported in the Human Gene Mutation Database (HGMD: prior to June 1st, 2018), and was therefore a candidate for classification through an automated scoring system. Utilizing variant allele frequency, disease prevalence and penetrance estimates, and inheritance mode, an automated score was calculated to assess if this variant is too frequent to cause the disease. Based on the score and internal cut-off values, a variant classified as benign is not then subjected to further curation. The score for this variant resulted in a classification of benign for this disease.